The following is an entry in ClinVar:

NM_000070.3(CAPN3):c.2243G>A (p.Arg748Gln)

Gene: CAPN3 (calpain 3; plus strand). Cytogenetic location: 15q15.1.
Variant type: single nucleotide variant.
Coding change: c.2243G>A on transcript NM_000070.3 (MANE Select); coding-DNA position 2243, G replaced by A.
Protein change: p.Arg748Gln; replaces arginine 748 with glutamine.
Molecular consequence: missense variant.
Genome position (GRCh38, 1-based): chr15:42,410,646, G>A. VCF-style: chr15-42410646-G-A. GRCh37 (hg19) VCF-style: chr15-42702844-G-A.
Other names: NM_000070.3(CAPN3):c.2243G>A; c.2225G>A, p.Arg742Gln (NM_024344.2); c.1967G>A, p.Arg656Gln (NM_173087.2); c.707G>A, p.Arg236Gln (NM_173088.2); c.248G>A, p.Arg83Gln (NM_173089.2, NM_173090.2); short protein forms R748Q, R742Q, R236Q, R656Q, R83Q.
Identifiers: ClinVar variation 128570 (VCV000128570.95), dbSNP rs587780290, ClinGen allele CA345536.

ClinVar aggregate classification (germline): Pathogenic. Review status: reviewed by expert panel (3 of 4 stars). 20 submissions from 19 submitters: Pathogenic (1). 19 of the submissions do not count toward it. Last evaluated 2026-03-12.

Conditions:
Muscular dystrophy, limb-girdle, autosomal dominant 4. Also called: MUSCULAR DYSTROPHY, LIMB-GIRDLE, TYPE 1I; Calpain-3-related limb-girdle muscular dystrophy D4. Identifiers: Orphanet 565909, MedGen C4748295, MONDO:0029133, OMIM 618129.
Autosomal recessive limb-girdle muscular dystrophy type 2A (LGMDR1). Also called: LEYDEN-MOEBIUS MUSCULAR DYSTROPHY; MUSCULAR DYSTROPHY, PELVOFEMORAL; Limb-girdle muscular dystrophy, type 2A; Muscular dystrophy, limb-girdle, type 2A, Amish; Calpainopathy. Identifiers: Orphanet 267, MedGen C1869123, MONDO:0009675, OMIM 253600. Disease mechanism: loss of function.
Autosomal recessive limb-girdle muscular dystrophy. Identifiers: Orphanet 102015, MedGen C2931907, MONDO:0015152.
Abnormality of the musculature. Identifiers: MedGen C4021745, HP:0003011.

Allele frequency attached by ClinVar (database versions not stated): gnomAD exomes 0.00001 and 0.00002; gnomAD 0.00002; TOPMed 0.00005.
gnomAD v4.1: 19 of 1,613,734 alleles (0.0012%); highest among the groups gnomAD compares: Admixed American, 0.013%; no homozygotes.

Submissions 1 to 9 of 20:

ClinGen Limb Girdle Muscular Dystrophy Variant Curation Expert Panel, ClinGen
Classification: Pathogenic for Autosomal recessive limb-girdle muscular dystrophy. Last evaluated: 2026-03-12. Review status: reviewed by expert panel. Criteria: ClinGen LGMD VCEP ACMG Specifications CAPN3 V2.0.0. Collection method: curation. Allele origin: germline. Inheritance: Autosomal recessive inheritance.
Comment: The NM_000070.3: c.2243G>A variant in CAPN3 is a missense variant expected to result in the substitution of arginine with glutamine at amino acid 748, p.(Arg748Gln). Across a selection of the available literature, this variant has been reported in at least 16 individuals with features consistent with LGMD (PMID: 32994280, 22443334, 15689361, 30838351; LOVD CAPN3_000028), including in a homozygous state without reported consanguinity in at least six unrelated patients of Chinese, Turkish, and Spanish ancestry (1.0 pt; PMID: 32994280, 22443334, 15689361, 30838351). It has also been identified in unconfirmed phase with a pathogenic variant in at least two patients (c.2120A>G p.(Asp707Gly), 0.5 pts, PMID: 32994280, LOVD Individual #00311286; c.2362_2363delinsTCATCT p.(Arg788SerfsTer14), 0.5 pts, PMID: 15689361, LOVD Individual #00214354) (PM3_Strong). This variant was identified in a homozygous state in one individual with both progressive limb girdle muscle weakness and absent calpain-3 protein expression in skeletal muscle, which is highly specific for CAPN3-related LGMD (PMID: 22443334; PP4_Strong). In addition, this variant has also been shown to co-segregate with autosomal recessive LGMD in one affected family member (PMID: 30838351; PP1). The upper bound of the 95% confidence interval (95% CI) of the highest population variant allele frequency in gnomAD v4.1.0 is 0.0002408 (8/59942 Admixed American chromosomes), which is higher than the threshold of 0.0001 (PM2_Supporting not met). This variant had no effect on splicing in a mini-gene assay (PMID: 32668095), but a deleterious effect of the amino acid change cannot be excluded (BP7_Strong not met), and the computational predictor REVEL gives a score of 0.724, which is above the LGMD VCEP threshold of 0.70, evidence that correlates with impact to CAPN3 function (PP3). In summary, this variant meets the criteria to be classified as Pathogenic for autosomal recessive limb girdle muscular dystrophy based on the ACMG/AMP criteria applied, as specified by the ClinGen LGMD VCEP (LGMD VCEP specifications version 2.0.0; 03/12/2026): PM3_Strong, PP4_Strong, PP1, PP3.

CeGaT Center for Human Genetics Tuebingen
Classification: Pathogenic. Last evaluated: 2026-01-01. Review status: criteria provided, single submitter. Criteria: CeGaT Center For Human Genetics Tuebingen Variant Classification Criteria Version 2. Collection method: clinical testing. Allele origin: germline. Affected: yes. Observed: 4 variant alleles. Not counted in ClinVar's aggregate classification.
Comment: CAPN3: PM3:Very Strong, PM2, PM5, PS3:Supporting

3billion
Classification: Pathogenic for Autosomal recessive limb-girdle muscular dystrophy type 2A. Last evaluated: 2025-12-23. Review status: criteria provided, single submitter. Criteria: ACMG Guidelines, 2015. Collection method: clinical testing. Allele origin: germline. Affected: yes. Not counted in ClinVar's aggregate classification.
Comment: The variant is observed at an extremely low frequency in the gnomAD v4.1.0 dataset (total allele frequency: 0.001%). Predicted Consequence/Location: Missense variant In silico tool predictions suggest damaging effect of the variant on gene or gene product [REVEL: 0.72 (>=0.6, sensitivity 0.68 and specificity 0.92); 3Cnet: 0.98 (> 0.75, sensitivity 0.96 and precision 0.92)]. The same nucleotide change resulting in the same amino acid change has been previously reported as pathogenic/likely pathogenic with strong evidence (ClinVar ID: VCV000128570 /PMID: 9150160). The variant has been reported to be in trans with a pathogenic variant as either compound heterozygous or homozygous in at least one similarly affected unrelated individual (PMID: 15733273, 22443334). A different missense change at the same codon (p.Arg748Gly) has been reported to be associated with CAPN3-related disorder (ClinVar ID: VCV000548138 /PMID: 30500922). Therefore, this variant is classified as Pathogenic according to the recommendation of ACMG/AMP guideline.

Natera, Inc.
Classification: Pathogenic for Limb-girdle muscular dystrophy type 2A. Last evaluated: 2025-12-22. Review status: criteria provided, single submitter. Criteria: Natera Variant Classification Schema (03/2026). Collection method: clinical testing. Allele origin: germline. Not counted in ClinVar's aggregate classification.
Comment: The c.2243G>A variant in CAPN3 is a missense variant predicted to cause substitution of arginine to glutamine at amino acid 748. This variant is rare in the general population with a frequency below the threshold expected for the associated phenotype(s). This variant has been observed in one or more individuals affected with the associated recessive disease, as either homozygous or compound heterozygous with a second variant (PMID: 27020652, 17994539). Computational prediction algorithms indicate this variant is likely to affect gene or protein function. Given the available evidence, this variant is classified as Pathogenic.

Mayo Clinic Laboratories, Mayo Clinic
Classification: Pathogenic. Last evaluated: 2025-10-14. Review status: criteria provided, single submitter. Criteria: ACMG Guidelines, 2015. Collection method: clinical testing. Allele origin: germline. Observed: 1 variant allele. Not counted in ClinVar's aggregate classification.
Comment: PP1_strong, PP3, PP4, PM2_supporting, PM3_strong, PS3_supporting

Labcorp Genetics (formerly Invitae), Labcorp
Classification: Pathogenic for Autosomal recessive limb-girdle muscular dystrophy type 2A. Last evaluated: 2025-09-15. Review status: criteria provided, single submitter. Criteria: Invitae Variant Classification Sherloc (09022015). Collection method: clinical testing. Allele origin: germline. Not counted in ClinVar's aggregate classification.
Comment: This sequence change replaces arginine, which is basic and polar, with glutamine, which is neutral and polar, at codon 748 of the CAPN3 protein (p.Arg748Gln). This variant is present in population databases (rs587780290, gnomAD 0.01%). This missense change has been observed in individuals with autosomal recessive limb-girdle muscular dystrophy (PMID: 9150160, 9762961, 9777948, 10330340, 12461690, 15689361, 18563459, 18854869, 19015733, 22443334, 26404900, 27020652, 30028523). It has also been observed to segregate with disease in related individuals. ClinVar contains an entry for this variant (Variation ID: 128570). Invitae Evidence Modeling of protein sequence and biophysical properties (such as structural, functional, and spatial information, amino acid conservation, physicochemical variation, residue mobility, and thermodynamic stability) indicates that this missense variant is not expected to disrupt CAPN3 protein function with a negative predictive value of 80%. Experimental studies have shown that this missense change affects CAPN3 function (PMID: 19226146). For these reasons, this variant has been classified as Pathogenic.

Variantyx, Inc.
Classification: Pathogenic for Autosomal recessive limb-girdle muscular dystrophy type 2A. Last evaluated: 2025-07-01. Review status: criteria provided, single submitter. Criteria: Variantyx Assertion Criteria 2022. Collection method: clinical testing. Allele origin: germline. Inheritance: Autosomal recessive inheritance. Affected: yes. Not counted in ClinVar's aggregate classification.
Comment: This is a nonsynonymous variant in the CAPN3 gene (OMIM: 114240). Pathogenic variants in this gene have been associated with autosomal recessive limb-girdle muscular dystrophy 1. This variant has been identified in the homozygous or compound heterozygous state in at least four individuals reported in the published literature (PMID: 21204801, 22006685, 30028523) (PM3). Multiple computational algorithms predict a deleterious effect for this variant (REVEL score: 0.724) (PP3). This variant has a 0.0133% maximum allele frequency in non-founder control populations (PM2). Based on the current evidence, this variant is classified as pathogenic for autosomal recessive limb-girdle muscular dystrophy 1.

Revvity Omics, Revvity
Classification: Pathogenic. Last evaluated: 2025-05-01. Review status: criteria provided, single submitter. Criteria: ACMG Guidelines, 2015. Collection method: clinical testing. Allele origin: germline. Not counted in ClinVar's aggregate classification.

GeneDx
Classification: Pathogenic. Last evaluated: 2024-07-18. Review status: criteria provided, single submitter. Criteria: GeneDx Variant Classification Process June 2021. Collection method: clinical testing. Allele origin: germline. Affected: yes. Not counted in ClinVar's aggregate classification.
Comment: In silico analysis supports that this missense variant has a deleterious effect on protein structure/function; Not observed at significant frequency in large population cohorts (gnomAD); This variant is associated with the following publications: (PMID: 18563459, 19364062, 10330340, 9762961, 22443334, 926673, 27234031, 36066420, 30056071, 19226146, 21204801, 22006685, 25525159, 27020652, 25987458, 18854869, 15689361, 9150160, 30028523, 30919934, 31589614, 34426522, 32528171, 35314707, 31069529, 35169782, 35723113, 25512505, 31980526, 32668095, 32403337, 37526466, 38374194)